The following is an entry in ClinVar:

ClinVar aggregate classification (germline): Uncertain significance. Review status: criteria provided, multiple submitters, no conflicts (2 of 4 stars). 3 submissions from 3 submitters: Uncertain significance (3). Last evaluated 2025-04-09.

Conditions:
Cardiovascular phenotype. Identifiers: MedGen CN230736.
Dilated cardiomyopathy 1AA (CMD1AA). Also called: CARDIOMYOPATHY, DILATED, 1AA, WITH OR WITHOUT LEFT VENTRICULAR NONCOMPACTION; CARDIOMYOPATHY, FAMILIAL HYPERTROPHIC, 23, WITH OR WITHOUT LEFT VENTRICULAR NONCOMPACTION; Cardiomyopathy, dilated, 1AA, with or without LVNC. Identifiers: Orphanet 154, MedGen C2677338, MONDO:0012808, OMIM 612158.
Primary familial hypertrophic cardiomyopathy (HCM). Identifiers: Orphanet 99739, MedGen C0949658, MeSH D024741, MONDO:0024573. Inheritance: Various modes of inheritance.

Allele frequency attached by ClinVar (database versions not stated): ExAC 0.00001; gnomAD 0.00001; gnomAD exomes 0.00002; TOPMed 0.00002.
gnomAD v4.1: 14 of 1,614,020 alleles (0.00087%); highest among the groups gnomAD compares: East Asian, 0.0045%; no homozygotes.

Submissions (3):

Molecular Diagnostic Laboratory for Inherited Cardiovascular Disease, Montreal Heart Institute
Classification: Uncertain significance for Cardiovascular phenotype. Last evaluated: 2025-04-09. Review status: criteria provided, single submitter. Criteria: ACMG Guidelines, 2015. Collection method: clinical testing. Allele origin: germline. Affected: yes.

Labcorp Genetics (formerly Invitae), Labcorp
Classification: Uncertain significance for Primary familial hypertrophic cardiomyopathy; Dilated cardiomyopathy 1AA. Last evaluated: 2024-09-06. Review status: criteria provided, single submitter. Criteria: Invitae Variant Classification Sherloc (09022015). Collection method: clinical testing. Allele origin: germline.
Comment: This sequence change replaces arginine, which is basic and polar, with histidine, which is basic and polar, at codon 796 of the ACTN2 protein (p.Arg796His). This variant is present in population databases (rs772409484, gnomAD 0.006%). This missense change has been observed in individual(s) with hypertrophic cardiomyopathy (internal data). ClinVar contains an entry for this variant (Variation ID: 852397). Invitae Evidence Modeling of protein sequence and biophysical properties (such as structural, functional, and spatial information, amino acid conservation, physicochemical variation, residue mobility, and thermodynamic stability) indicates that this missense variant is expected to disrupt ACTN2 protein function with a positive predictive value of 95%. This variant disrupts the p.Arg796 amino acid residue in ACTN2. Other variant(s) that disrupt this residue have been observed in individuals with ACTN2-related conditions (PMID: 34598319; internal data), which suggests that this may be a clinically significant amino acid residue. In summary, the available evidence is currently insufficient to determine the role of this variant in disease. Therefore, it has been classified as a Variant of Uncertain Significance.

Ambry Genetics
Classification: Uncertain significance for Cardiovascular phenotype. Last evaluated: 2024-07-09. Review status: criteria provided, single submitter. Criteria: Ambry Variant Classification Scheme 2023. Collection method: clinical testing. Allele origin: germline.

Literature cited by the submitters: PubMed 34598319 (cited by Labcorp Genetics (formerly Invitae), Labcorp).

NM_001103.4(ACTN2):c.2387G>A (p.Arg796His)

Gene: ACTN2 (actinin alpha 2; plus strand). Cytogenetic location: 1q43.
Variant type: single nucleotide variant.
Coding change: c.2387G>A on transcript NM_001103.4 (MANE Select); coding-DNA position 2387, G replaced by A.
Protein change: p.Arg796His; replaces arginine 796 with histidine.
Molecular consequence: missense variant.
Genome position (GRCh38, 1-based): chr1:236,761,034, G>A. VCF-style: chr1-236761034-G-A. GRCh37 (hg19) VCF-style: chr1-236924334-G-A.
Other names: c.2387G>A, p.Arg796His (NM_001278343.2); c.1763G>A, p.Arg588His (NM_001278344.2); short protein forms R796H, R588H.
Identifiers: ClinVar variation 852397 (VCV000852397.11), dbSNP rs772409484, ClinGen allele CA1473436.